The following is an entry in ClinVar:

ClinVar aggregate classification (germline): Pathogenic. Review status: criteria provided, single submitter (1 of 4 stars). 4 submissions from 4 submitters: Pathogenic (1). 3 of the submissions do not count toward it. Last evaluated 2022-04-13.

Conditions:
Spondylometaphyseal dysplasia. Identifiers: Orphanet 254, MedGen C4759767, MONDO:0016763, HP:0002657.

Submissions (4):

Labcorp Genetics (formerly Invitae), Labcorp
Classification: Pathogenic. Last evaluated: 2022-04-13. Review status: criteria provided, single submitter. Criteria: Invitae Variant Classification Sherloc (09022015). Collection method: clinical testing. Allele origin: germline.
Comment: For these reasons, this variant has been classified as Pathogenic. Algorithms developed to predict the effect of missense changes on protein structure and function are either unavailable or do not agree on the potential impact of this missense change (SIFT: "Not Available"; PolyPhen-2: "Probably Damaging"; Align-GVGD: "Not Available"). ClinVar contains an entry for this variant (Variation ID: 549707). This missense change has been observed in individual(s) with FN1-related conditions (PMID: 30599297; Invitae). In at least one individual the variant was observed to be de novo. This variant is not present in population databases (gnomAD no frequency). This sequence change replaces cysteine, which is neutral and slightly polar, with tyrosine, which is neutral and polar, at codon 213 of the FN1 protein (p.Cys213Tyr).

CHU Sainte-Justine Research Center, University of Montreal
Classification: Likely pathogenic for Spondylometaphyseal dysplasia. Last evaluated: 2018-05-09. Review status: no assertion criteria provided. Collection method: research. Allele origin: germline. Affected: yes. Not counted in ClinVar's aggregate classification.
Comment: 6 Individuals with novel FN1 mutations and spondylometaphyseal dysplasia

Clinical Genetics DNA and cytogenetics Diagnostics Lab, Erasmus MC, Erasmus Medical Center
Classification: Uncertain significance. Review status: no assertion criteria provided. Collection method: clinical testing. Allele origin: germline. Affected: yes. Study: VKGL Data-share Consensus. Not counted in ClinVar's aggregate classification.

Joint Genome Diagnostic Labs from Nijmegen and Maastricht, Radboudumc and MUMC+
Classification: Uncertain significance. Review status: no assertion criteria provided. Collection method: clinical testing. Allele origin: germline. Affected: yes. Study: VKGL Data-share Consensus. Not counted in ClinVar's aggregate classification.

Literature cited by the submitters: PubMed 30599297 (cited by Labcorp Genetics (formerly Invitae), Labcorp).

NM_212482.4(FN1):c.638G>A (p.Cys213Tyr)

Gene: FN1 (fibronectin 1; minus strand). Cytogenetic location: 2q35.
Variant type: single nucleotide variant.
Coding change: c.638G>A on transcript NM_212482.4 (MANE Select); coding-DNA position 638, G replaced by A.
Protein change: p.Cys213Tyr; replaces cysteine 213 with tyrosine.
Molecular consequence: missense variant.
Genome position (GRCh38, 1-based): chr2:215,430,762, C>T on the plus strand (G>A on the coding strand, the complement: FN1 is on the minus strand). VCF-style: chr2-215430762-C-T. GRCh37 (hg19) VCF-style: chr2-216295485-C-T.
Other names: c.638G>A, p.Cys213Tyr (NM_001306129.2, NM_001306130.2, NM_001306131.2 and 14 more transcripts); short protein forms C213Y.
Identifiers: ClinVar variation 549707 (VCV000549707.8), dbSNP rs1559604072, ClinGen allele CA350475462.